The following is an entry in ClinVar:

ClinVar aggregate classification (germline): Uncertain significance (1 of 4 stars; one submission).

Conditions:
POLD1-related polyposis and colorectal cancer syndrome (CRCS10). Also called: Colorectal cancer 10; COLORECTAL CANCER, SUSCEPTIBILITY TO, ON CHROMOSOME 19q; Colorectal cancer, susceptibility to, 10. Identifiers: Orphanet 220460, MedGen C2675481, MONDO:0012953, OMIM 612591.

Submission:

Labcorp Genetics (formerly Invitae), Labcorp
Classification: Uncertain significance for POLD1-related polyposis and colorectal cancer syndrome. Last evaluated: 2021-01-31. Review status: criteria provided, single submitter. Criteria: Invitae Variant Classification Sherloc (09022015). Collection method: clinical testing. Allele origin: germline.
Comment: Algorithms developed to predict the effect of missense changes on protein structure and function are either unavailable or do not agree on the potential impact of this missense change (SIFT: "Deleterious"; PolyPhen-2: "Probably Damaging"; Align-GVGD: "Class C0"). In summary, the available evidence is currently insufficient to determine the role of this variant in disease. Therefore, it has been classified as a Variant of Uncertain Significance. This variant has not been reported in the literature in individuals with POLD1-related conditions. This variant is not present in population databases (ExAC no frequency). This sequence change replaces phenylalanine with serine at codon 1099 of the POLD1 protein (p.Phe1099Ser). The phenylalanine residue is moderately conserved and there is a large physicochemical difference between phenylalanine and serine.

NM_002691.4(POLD1):c.3296T>C (p.Phe1099Ser)

Gene: POLD1 (DNA polymerase delta 1, catalytic subunit; plus strand). Cytogenetic location: 19q13.33.
Variant type: single nucleotide variant.
Coding change: c.3296T>C on transcript NM_002691.4 (MANE Select); coding-DNA position 3296, T replaced by C.
Protein change: p.Phe1099Ser; replaces phenylalanine 1099 with serine.
Molecular consequence: missense variant. On other transcripts: non-coding transcript variant (1).
Genome position (GRCh38, 1-based): chr19:50,417,919, T>C. VCF-style: chr19-50417919-T-C. GRCh37 (hg19) VCF-style: chr19-50921176-T-C.
Other names: c.3296T>C, p.Phe1099Ser (NM_001256849.1); c.3374T>C, p.Phe1125Ser (NM_001308632.1); short protein forms F1099S, F1125S.
Identifiers: ClinVar variation 1467422 (VCV001467422.8), dbSNP rs2122522815, ClinGen allele CA406987861.
Genomic context (GRCh38, chr19:50,417,919, plus strand): 5'-TCTACATGCGCAAGAAGGTGCGGAAGGACCTGGAAGACCAGGAGCAGCTCCTGCGGCGCT[T>C]CGGACCCCCTGGACCTGAGGCCTGGTGACCTTGCAAGCATCCCATGGGGCGGGGGCGGGA-3'
Protein context (NP_002682.2, residues 1089-1107): LEDQEQLLRR[Phe1099Ser]GPPGPEAW